The following is an entry in ClinVar:

NM_003672.4(CDC14A):c.1015C>T (p.Arg339Ter)

Gene: CDC14A (cell division cycle 14A; plus strand). Cytogenetic location: 1p21.2.
Variant type: single nucleotide variant.
Coding change: c.1015C>T on transcript NM_003672.4 (MANE Select); coding-DNA position 1015, C replaced by T.
Protein change: p.Arg339Ter; replaces arginine 339 with a stop codon.
Molecular consequence: nonsense.
Genome position (GRCh38, 1-based): chr1:100,484,329, C>T. VCF-style: chr1-100484329-C-T. GRCh37 (hg19) VCF-style: chr1-100949885-C-T.
Other names: c.1015C>T, p.Arg339Ter (NM_001319210.2, NM_033312.3, NM_033313.3); c.841C>T, p.Arg281Ter (NM_001319211.2); c.136C>T, p.Arg46Ter (NM_001319212.2); short protein forms R339*, R281*, R46*.
Identifiers: ClinVar variation 235146 (VCV000235146.6), dbSNP rs777112652, ClinGen allele CA970769.

ClinVar aggregate classification (germline): Pathogenic. Review status: criteria provided, multiple submitters, no conflicts (2 of 4 stars). 3 submissions from 3 submitters: Pathogenic (2). 1 of the submissions does not count toward it. Last evaluated 2024-09-16.

Conditions:
Autosomal recessive nonsyndromic hearing loss 32. Also called: Deafness, autosomal recessive 32; Deafness, autosomal recessive 105; HEARING IMPAIRMENT INFERTILE MALE SYNDROME. Identifiers: Orphanet 90636, MedGen C1837608, MONDO:0012091, OMIM 608653.

Allele frequency attached by ClinVar (database versions not stated): gnomAD 0.00001; gnomAD exomes 0.00001; TOPMed below 0.00001; ExAC 0.00001.
gnomAD v4.1: 19 of 1,596,926 alleles (0.0012%); highest among the groups gnomAD compares: Admixed American, 0.0035%; no homozygotes.

Submissions (3):

GeneDx
Classification: Pathogenic. Last evaluated: 2024-09-16. Review status: criteria provided, single submitter. Criteria: GeneDx Variant Classification Process June 2021. Collection method: clinical testing. Allele origin: germline. Affected: yes.
Comment: Nonsense variant predicted to result in protein truncation or nonsense mediated decay in a gene for which loss of function is a known mechanism of disease; This variant is associated with the following publications: (PMID: 31906439, 27259055)

SIB Swiss Institute of Bioinformatics
Classification: Pathogenic for Autosomal recessive nonsyndromic hearing loss 32. Last evaluated: 2018-11-05. Review status: criteria provided, single submitter. Criteria: ACMG Guidelines, 2015. Collection method: curation. Allele origin: unknown.
Comment: This variant is interpreted as a Pathogenic for Deafness, autosomal recessive 32, with or without immotile sperm. The following ACMG Tag(s) were applied: PM2 : Absent from controls (or at extremely low frequency if recessive) in Exome Sequencing Project, 1000 Genomes Project, or Exome Aggregation Consortium. PVS1-Strong : PVS1 downgraded in strength to Strong. PP1-Strong : Segregation data PP1 upgraded to strong (PMID:27259055).

OMIM
Classification: Pathogenic for DEAFNESS, AUTOSOMAL RECESSIVE 32. Last evaluated: 2018-08-03. Review status: no assertion criteria provided. Collection method: literature only. Allele origin: germline. Not counted in ClinVar's aggregate classification.

Literature cited by the submitters: PubMed 27259055 (cited by SIB Swiss Institute of Bioinformatics and OMIM).